The following is an entry in ClinVar:

NM_001374828.1(ARID1B):c.4058+1G>C

Gene: ARID1B (AT-rich interaction domain 1B; plus strand). Cytogenetic location: 6q25.3.
Variant type: single nucleotide variant.
Coding change: c.4058+1G>C on transcript NM_001374828.1 (MANE Select); the canonical splice donor site of the intron after coding-DNA position 4058, G replaced by C.
Molecular consequence: splice donor variant.
Genome position (GRCh38, 1-based): chr6:157,189,781, G>C. VCF-style: chr6-157189781-G-C. GRCh37 (hg19) VCF-style: chr6-157510915-G-C.
Other names: c.3689+1G>C (NM_020732.3); c.3938+1G>C (NM_001371656.1, NM_001374820.1); c.3899+1G>C (NM_017519.3); c.1559+1G>C (NM_001363725.2).
Identifiers: ClinVar variation 374317 (VCV000374317.4), dbSNP rs1057518691, ClinGen allele CA16043721.

ClinVar aggregate classification (germline): Pathogenic. Review status: criteria provided, multiple submitters, no conflicts (2 of 4 stars). 3 submissions from 2 submitters: Pathogenic (2). 1 of the submissions does not count toward it. Last evaluated 2024-10-04.

Conditions:
ARID1B-related BAFopathy.
Coffin-Siris syndrome 1 (CSS1). Also called: ARID1B-Related Coffin-Siris Syndrome; Mental retardation, autosomal dominant 12. Identifiers: Orphanet 1465, MedGen C3281201, MONDO:0007617, OMIM 135900. Disease mechanism: gain of function.

Submissions (3):

Dubai Health Genomic Medicine Center, Dubai Health
Classification: Pathogenic for Coffin-Siris syndrome 1. Last evaluated: 2024-10-04. Review status: criteria provided, single submitter. Criteria: ACMG Guidelines, 2015. Collection method: research. Allele origin: germline. Affected: yes.
Comment: PVS1,PS2,PM2

Baylor Genetics
Classification: Pathogenic for ARID1B-related BAFopathy. Last evaluated: 2021-06-10. Review status: criteria provided, single submitter. Criteria: ACMG Guidelines, 2015. Collection method: clinical testing. Allele origin: de novo. Affected: yes.

Baylor Genetics
Classification: Pathogenic for Coffin-Siris syndrome 1. Last evaluated: 2015-02-13. Review status: no assertion criteria provided. Collection method: clinical testing. Allele origin: de novo. Inheritance: Autosomal dominant inheritance. Affected: yes. Observed: 1 variant allele, 1 heterozygote. Not counted in ClinVar's aggregate classification.